The following is an entry in ClinVar:

ClinVar aggregate classification (germline): Conflicting classifications of pathogenicity. Review status: criteria provided, conflicting classifications (1 of 4 stars). 4 submissions from 4 submitters: Likely pathogenic (1); Uncertain significance (3). Last evaluated 2024-05-17.

Conditions:
Bardet-Biedl syndrome 1 (BBS1). Identifiers: MedGen C2936862, MONDO:0008854, OMIM 209900. Disease mechanism: loss of function.
Bardet-Biedl syndrome (BBS). Identifiers: Orphanet 110, MedGen C0752166, MONDO:0015229.

Submissions (4):

GeneDx
Classification: Uncertain significance. Last evaluated: 2024-05-17. Review status: criteria provided, single submitter. Criteria: GeneDx Variant Classification Process June 2021. Collection method: clinical testing. Allele origin: germline. Affected: yes.
Comment: Not observed at significant frequency in large population cohorts (gnomAD); In silico analysis supports that this missense variant has a deleterious effect on protein structure/function; Has not been previously published as pathogenic or benign to our knowledge

Blueprint Genetics
Classification: Uncertain significance. Last evaluated: 2022-08-26. Review status: criteria provided, single submitter. Criteria: ACMG Guidelines, 2015. Collection method: clinical testing. Allele origin: germline.

Labcorp Genetics (formerly Invitae), Labcorp
Classification: Likely pathogenic for Bardet-Biedl syndrome. Last evaluated: 2022-04-26. Review status: criteria provided, single submitter. Criteria: Invitae Variant Classification Sherloc (09022015). Collection method: clinical testing. Allele origin: germline.
Comment: In summary, the currently available evidence indicates that the variant is pathogenic, but additional data are needed to prove that conclusively. Therefore, this variant has been classified as Likely Pathogenic. Algorithms developed to predict the effect of missense changes on protein structure and function are either unavailable or do not agree on the potential impact of this missense change (SIFT: "Deleterious"; PolyPhen-2: "Possibly Damaging"; Align-GVGD: "Class C15"). This sequence change replaces alanine, which is neutral and non-polar, with glutamic acid, which is acidic and polar, at codon 265 of the BBS1 protein (p.Ala265Glu). This variant is not present in population databases (gnomAD no frequency). This missense change has been observed in individual(s) with Bardet-Biedl syndrome (Invitae). It has also been observed to segregate with disease in related individuals. ClinVar contains an entry for this variant (Variation ID: 412285).

3billion
Classification: Uncertain significance for Bardet-Biedl syndrome 1. Last evaluated: 2022-01-03. Review status: criteria provided, single submitter. Criteria: ACMG Guidelines, 2015. Collection method: clinical testing. Allele origin: germline. Affected: yes. Observed: 1 homozygote.
Comment: The variant not observed in the gnomAD v2.1.1 dataset (PM2_M). In silico tool predictions suggest damaging effect of the variant on gene or gene product (REVEL: 0.672, PP3_P). Therefore, this variant is classified as uncertain significance according to the recommendation of ACMG/AMP guideline.

NM_024649.5(BBS1):c.794C>A (p.Ala265Glu)

Genes: BBS1 (Bardet-Biedl syndrome 1; plus strand), ZDHHC24 (zDHHC palmitoyltransferase 24; minus strand). Cytogenetic location: 11q13.2.
Variant type: single nucleotide variant.
Coding change: c.794C>A on transcript NM_024649.5 (MANE Select); coding-DNA position 794, C replaced by A.
Protein change: p.Ala265Glu; replaces alanine 265 with glutamic acid.
Molecular consequence: missense variant. On other transcripts: 3 prime UTR variant (1).
Genome position (GRCh38, 1-based): chr11:66,521,340, C>A. VCF-style: chr11-66521340-C-A. GRCh37 (hg19) VCF-style: chr11-66288811-C-A.
Other names: c.*148G>T (NM_001348571.2); short protein forms A265E.
Identifiers: ClinVar variation 412285 (VCV000412285.48), dbSNP rs372939761, ClinGen allele CA16613498.
Genomic context (GRCh38, chr11:66,521,340, plus strand): 5'-CCAGCGTCCCCGTCTTCCTAGAGGTTTCTGGCCAGTTTGATGTTGAGTTCCGGCTTGCCG[C>A]GGCCTGCCGCAATGGAAACATCTATATTCTGAGAAGGTAGCCACATCCGTGGTCTCCGGG-3'
Protein context (NP_078925.3, residues 255-275): GQFDVEFRLA[Ala265Glu]ACRNGNIYIL